The following is an entry in ClinVar:

ClinVar aggregate classification (germline): Likely benign. Review status: criteria provided, multiple submitters, no conflicts (2 of 4 stars). 5 submissions from 5 submitters: Likely benign (5). Last evaluated 2026-05-01.

Conditions:
Fanconi anemia (FA). Also called: Fanconi's anemia. Identifiers: Orphanet 84, MedGen C0015625, MeSH D005199, MONDO:0019391.
Inborn genetic diseases. Identifiers: MedGen C0950123, MeSH D030342.
Fanconi anemia complementation group G. Also called: Fanconi anemia group G; FANCG-Related Fanconi Anemia. Identifiers: Orphanet 84, MedGen C3469527, MONDO:0013565, OMIM 614082.

Allele frequency attached by ClinVar (database versions not stated): gnomAD 0.00001; gnomAD exomes 0.00001; TOPMed 0.00001; ExAC 0.00002.
gnomAD v4.1: 19 of 1,613,946 alleles (0.0012%); highest among the groups gnomAD compares: Middle Eastern, 0.016%; no homozygotes.

Submissions (5):

CeGaT Center for Human Genetics Tuebingen
Classification: Likely benign. Last evaluated: 2026-05-01. Review status: criteria provided, single submitter. Criteria: CeGaT Center For Human Genetics Tuebingen Variant Classification Criteria Version 2. Collection method: clinical testing. Allele origin: germline. Affected: yes. Observed: 1 variant allele.
Comment: FANCG: BP4, BP7

Ambry Genetics
Classification: Likely benign for Inborn genetic diseases. Last evaluated: 2025-01-05. Review status: criteria provided, single submitter. Criteria: Ambry Variant Classification Scheme 2023. Collection method: clinical testing. Allele origin: germline.

Labcorp Genetics (formerly Invitae), Labcorp
Classification: Likely benign for Fanconi anemia. Last evaluated: 2024-06-14. Review status: criteria provided, single submitter. Criteria: Invitae Variant Classification Sherloc (09022015). Collection method: clinical testing. Allele origin: germline.

Blueprint Genetics
Classification: Likely benign. Last evaluated: 2023-08-14. Review status: criteria provided, single submitter. Criteria: ACMG Guidelines, 2015. Collection method: clinical testing. Allele origin: germline.

Genome-Nilou Lab
Classification: Likely benign for Fanconi anemia complementation group G. Last evaluated: 2021-05-18. Review status: criteria provided, single submitter. Criteria: ACMG Guidelines, 2015. Collection method: clinical testing. Allele origin: germline. Affected: no.

NM_004629.2(FANCG):c.1287C>T (p.Pro429=)

Gene: FANCG (FA complementation group G; minus strand). Cytogenetic location: 9p13.3.
Variant type: single nucleotide variant.
Coding change: c.1287C>T on transcript NM_004629.2 (MANE Select); coding-DNA position 1287, C replaced by T.
Protein change: p.Pro429=; no amino-acid change (proline 429 retained).
Molecular consequence: synonymous variant.
Genome position (GRCh38, 1-based): chr9:35,075,611, G>A on the plus strand (C>T on the coding strand, the complement: FANCG is on the minus strand). VCF-style: chr9-35075611-G-A. GRCh37 (hg19) VCF-style: chr9-35075608-G-A.
Other names: c.1287C>T (NM_004629.1).
Identifiers: ClinVar variation 1098853 (VCV001098853.16), dbSNP rs767253119, ClinGen allele CA5039780.